The following is an entry in ClinVar:

NM_006949.4(STXBP2):c.680G>T (p.Arg227Leu)

Gene: STXBP2 (syntaxin binding protein 2; plus strand). Cytogenetic location: 19p13.2.
Variant type: single nucleotide variant.
Coding change: c.680G>T on transcript NM_006949.4 (MANE Select); coding-DNA position 680, G replaced by T.
Protein change: p.Arg227Leu; replaces arginine 227 with leucine.
Molecular consequence: missense variant. On other transcripts: non-coding transcript variant (1).
Genome position (GRCh38, 1-based): chr19:7,642,219, G>T. VCF-style: chr19-7642219-G-T. GRCh37 (hg19) VCF-style: chr19-7707105-G-T.
Other names: c.671G>T, p.Arg224Leu (NM_001127396.3); c.713G>T, p.Arg238Leu (NM_001272034.2); c.584G>T, p.Arg195Leu (NM_001414484.1); short protein forms R227L, R238L, R195L, R224L.
Identifiers: ClinVar variation 2111384 (VCV002111384.2), dbSNP rs200855062, ClinGen allele CA9143769.

ClinVar aggregate classification (germline): Uncertain significance (1 of 4 stars; one submission).

Conditions:
Familial hemophagocytic lymphohistiocytosis 5. Also called: STXBP2-Related Familial Hemophagocytic Lymphohistiocytosis (STXBP2-fHLH). Identifiers: Orphanet 540, MedGen C2751293, MONDO:0013135, OMIM 613101.

gnomAD v4.1: 1 of 1,613,972 alleles (0.000062%); highest among the groups gnomAD compares: African/African-American, 0.0013%; no homozygotes.

Submission:

Labcorp Genetics (formerly Invitae), Labcorp
Classification: Uncertain significance for Familial hemophagocytic lymphohistiocytosis 5. Last evaluated: 2023-12-11. Review status: criteria provided, single submitter. Criteria: Invitae Variant Classification Sherloc (09022015). Collection method: clinical testing. Allele origin: germline.
Comment: This sequence change replaces arginine, which is basic and polar, with leucine, which is neutral and non-polar, at codon 227 of the STXBP2 protein (p.Arg227Leu). This variant is present in population databases (rs200855062, gnomAD 0.003%). This variant has not been reported in the literature in individuals affected with STXBP2-related conditions. ClinVar contains an entry for this variant (Variation ID: 2111384). Advanced modeling of protein sequence and biophysical properties (such as structural, functional, and spatial information, amino acid conservation, physicochemical variation, residue mobility, and thermodynamic stability) performed at Invitae indicates that this missense variant is expected to disrupt STXBP2 protein function with a positive predictive value of 80%. In summary, the available evidence is currently insufficient to determine the role of this variant in disease. Therefore, it has been classified as a Variant of Uncertain Significance.